The following is an entry in ClinVar:

ClinVar aggregate classification (germline): Conflicting classifications of pathogenicity. Review status: criteria provided, conflicting classifications (1 of 4 stars). 5 submissions from 5 submitters: Uncertain significance (4); Likely benign (1). Last evaluated 2025-07-08.

Conditions:
Hereditary breast ovarian cancer syndrome. Also called: Hereditary breast and ovarian cancer syndrome (HBOC); Hereditary breast and ovarian cancer syndrome; Breast and ovarian cancer; Hereditary breast and ovarian cancer; Hereditary breast and/or ovarian cancer syndrome; BRCA1- and BRCA2-Associated Hereditary Breast and Ovarian Cancer. Identifiers: Orphanet 145, MedGen C0677776, MeSH D061325, MONDO:0003582. Disease mechanism: loss of function.
Hereditary cancer-predisposing syndrome. Also called: Neoplastic Syndromes, Hereditary; Tumor predisposition; Hereditary neoplastic syndrome; Hereditary Cancer Syndrome. Identifiers: Orphanet 140162, MedGen C0027672, MeSH D009386, MONDO:0015356.

Allele frequency attached by ClinVar (database versions not stated): gnomAD exomes 0.00001.
gnomAD v4.1: 7 of 1,613,946 alleles (0.00043%); highest among the groups gnomAD compares: South Asian, 0.0011%; no homozygotes.

Submissions (5):

Women's Health and Genetics/Laboratory Corporation of America, LabCorp
Classification: Uncertain significance. Last evaluated: 2025-07-08. Review status: criteria provided, single submitter. Criteria: LabCorp Variant Classification Summary - May 2015. Collection method: clinical testing. Allele origin: germline.

Labcorp Genetics (formerly Invitae), Labcorp
Classification: Uncertain significance for Hereditary breast ovarian cancer syndrome. Last evaluated: 2024-10-29. Review status: criteria provided, single submitter. Criteria: Invitae Variant Classification Sherloc (09022015). Collection method: clinical testing. Allele origin: germline.
Comment: This sequence change replaces isoleucine, which is neutral and non-polar, with valine, which is neutral and non-polar, at codon 587 of the BRCA1 protein (p.Ile587Val). This variant is not present in population databases (gnomAD no frequency). This variant has not been reported in the literature in individuals affected with BRCA1-related conditions. ClinVar contains an entry for this variant (Variation ID: 662219). Invitae Evidence Modeling of protein sequence and biophysical properties (such as structural, functional, and spatial information, amino acid conservation, physicochemical variation, residue mobility, and thermodynamic stability) indicates that this missense variant is not expected to disrupt BRCA1 protein function with a negative predictive value of 80%. In summary, the available evidence is currently insufficient to determine the role of this variant in disease. Therefore, it has been classified as a Variant of Uncertain Significance.

Color Diagnostics, LLC DBA Color Health
Classification: Uncertain significance for Hereditary cancer-predisposing syndrome. Last evaluated: 2024-07-09. Review status: criteria provided, single submitter. Criteria: ACMG Guidelines, 2015. Collection method: clinical testing. Allele origin: germline.
Comment: This missense variant replaces isoleucine with valine at codon 587 of the BRCA1 protein. Computational prediction tool is inconclusive regarding the impact of this variant on protein structure and function. To our knowledge, functional studies have not been performed for this variant. This variant has been detected in a breast cancer case-control meta-analysis in 1/60466 cases and 1/53461 unaffected individuals (PMID: 33471991; Leiden Open Variation Database DB-ID BRCA1_002866). This variant has not been identified in the general population by the Genome Aggregation Database (gnomAD). The available evidence is insufficient to determine the role of this variant in disease conclusively. Therefore, this variant is classified as a Variant of Uncertain Significance.

University of Washington Department of Laboratory Medicine, University of Washington
Classification: Likely benign for Hereditary cancer-predisposing syndrome. Last evaluated: 2023-03-23. Review status: criteria provided, single submitter. Criteria: Dines et al. (Genet Med. 2020). Collection method: curation. Allele origin: germline.
Comment: Missense variant in a coldspot region where missense variants are very unlikely to be pathogenic (PMID:31911673).

BRCA1 coldspot (exon 11 using historical exon numbering). Reclassification based on statistical prior probability

Ambry Genetics
Classification: Uncertain significance for Hereditary cancer-predisposing syndrome. Last evaluated: 2021-12-08. Review status: criteria provided, single submitter. Criteria: Ambry Variant Classification Scheme 2023. Collection method: clinical testing. Allele origin: germline.
Comment: The p.I587V variant (also known as c.1759A>G), located in coding exon 9 of the BRCA1 gene, results from an A to G substitution at nucleotide position 1759. The isoleucine at codon 587 is replaced by valine, an amino acid with highly similar properties. This amino acid position is well conserved in available vertebrate species. In addition, the in silico prediction for this alteration is inconclusive. Since supporting evidence is limited at this time, the clinical significance of this alteration remains unclear.

Literature cited by the submitters: PubMed 33471991 (cited by Color Diagnostics, LLC DBA Color Health).

NM_007294.4(BRCA1):c.1759A>G (p.Ile587Val)

Gene: BRCA1 (BRCA1 DNA repair associated; minus strand). Cytogenetic location: 17q21.31.
Variant type: single nucleotide variant.
Coding change: c.1759A>G on transcript NM_007294.4 (MANE Select); coding-DNA position 1759, A replaced by G.
Protein change: p.Ile587Val; replaces isoleucine 587 with valine.
Molecular consequence: missense variant. On other transcripts: intron variant (137).
Genome position (GRCh38, 1-based): chr17:43,093,772, T>C on the plus strand (A>G on the coding strand, the complement: BRCA1 is on the minus strand). VCF-style: chr17-43093772-T-C. GRCh37 (hg19) VCF-style: chr17-41245789-T-C.
Other names: c.1618A>G, p.Ile540Val (NM_001407731.1, NM_001407732.1, NM_001407733.1 and 29 more transcripts); c.1615A>G, p.Ile539Val (NM_001407740.1, NM_001407741.1, NM_001407742.1 and 20 more transcripts); c.1546A>G, p.Ile516Val (NM_001407853.1, NM_001407894.1, NM_001407895.1 and 9 more transcripts); c.1759A>G, p.Ile587Val (NM_001407854.1, NM_001407858.1, NM_001407859.1 and 30 more transcripts); c.1756A>G, p.Ile586Val (NM_001407860.1, NM_001407861.1, NM_001407587.1 and 22 more transcripts); c.1558A>G, p.Ile520Val (NM_001407862.1); c.1636A>G, p.Ile546Val (NM_001407863.1, NM_001407919.1, NM_001407937.1 and 19 more transcripts); c.1555A>G, p.Ile519Val (NM_001407874.1, NM_001407875.1); and 40 more; short protein forms I540V, I587V, I476V, I498V, I519V, I560V, I561V, I586V.
Identifiers: ClinVar variation 662219 (VCV000662219.16), dbSNP rs1597874361, ClinGen allele CA10598511.